The following is an entry in ClinVar:

NM_001723.7(DST):c.3536T>G (p.Val1179Gly)

Gene: DST (dystonin; minus strand). Cytogenetic location: 6p12.1.
Variant type: single nucleotide variant.
Coding change: c.3536T>G on transcript NM_001723.7 (MANE Plus Clinical); coding-DNA position 3536, T replaced by G.
Protein change: p.Val1179Gly; replaces valine 1179 with glycine.
Molecular consequence: missense variant. On other transcripts: intron variant (10).
Genome position (GRCh38, 1-based): chr6:56,620,498, A>C on the plus strand (T>G on the coding strand, the complement: DST is on the minus strand). VCF-style: chr6-56620498-A-C. GRCh37 (hg19) VCF-style: chr6-56485296-A-C.
Other names: c.4830+4032T>G (NM_001144769.5); c.4929+4032T>G (NM_001374722.1, NM_001374736.1); c.4956+4032T>G (NM_001374734.1); c.4416+4032T>G (NM_001144770.2); c.4296+4032T>G (NM_001374730.1, NM_001386100.1, NM_183380.4 and 1 more transcripts); c.3318+4032T>G (NM_015548.5); short protein forms V1179G.
Identifiers: ClinVar variation 1924345 (VCV001924345.5), dbSNP rs1316322850, ClinGen allele CA364571680.

ClinVar aggregate classification (germline): Uncertain significance (1 of 4 stars; one submission).

Conditions:
Epidermolysis bullosa simplex 3, localized or generalized intermediate, with BP230 deficiency (EBS3). Also called: Epidermolysis bullosa simplex due to BP230 deficiency; Epidermolysis bullosa simplex, autosomal recessive 2. Identifiers: Orphanet 412181, MedGen C3809470, MONDO:0014180, OMIM 615425.
Hereditary sensory and autonomic neuropathy type 6. Also called: Neuropathy, hereditary sensory and autonomic, type VI; HSAN VI. Identifiers: Orphanet 314381, MedGen C3539003, MONDO:0013839, OMIM 614653.

Allele frequency attached by ClinVar (database versions not stated): TOPMed 0.00001; gnomAD 0.00002.
gnomAD v4.1: 4 of 1,613,970 alleles (0.00025%); highest among the groups gnomAD compares: African/African-American, 0.0053%; no homozygotes.

Submission:

Labcorp Genetics (formerly Invitae), Labcorp
Classification: Uncertain significance for Epidermolysis bullosa simplex 3, localized or generalized intermediate, with BP230 deficiency; Hereditary sensory and autonomic neuropathy type 6. Last evaluated: 2022-05-22. Review status: criteria provided, single submitter. Criteria: Invitae Variant Classification Sherloc (09022015). Collection method: clinical testing. Allele origin: germline.
Comment: Algorithms developed to predict the effect of missense changes on protein structure and function (SIFT, PolyPhen-2, Align-GVGD) all suggest that this variant is likely to be tolerated. In summary, the available evidence is currently insufficient to determine the role of this variant in disease. Therefore, it has been classified as a Variant of Uncertain Significance. This variant has not been reported in the literature in individuals affected with DST-related conditions. This variant is present in population databases (no rsID available, gnomAD 0.007%). This sequence change replaces valine, which is neutral and non-polar, with glycine, which is neutral and non-polar, at codon 1179 of the DST protein (p.Val1179Gly).